The following is an entry in ClinVar:

NM_000052.7(ATP7A):c.3117G>T (p.Lys1039Asn)

Gene: ATP7A (ATPase copper transporting alpha; plus strand). Cytogenetic location: Xq21.1.
Variant type: single nucleotide variant.
Coding change: c.3117G>T on transcript NM_000052.7 (MANE Select); coding-DNA position 3117, G replaced by T.
Protein change: p.Lys1039Asn; replaces lysine 1039 with asparagine.
Molecular consequence: missense variant. On other transcripts: non-coding transcript variant (1).
Genome position (GRCh38, 1-based): chrX:78,031,405, G>T. VCF-style: chrX-78031405-G-T. GRCh37 (hg19) VCF-style: chrX-77286903-G-T.
Other names: c.2883G>T, p.Lys961Asn (NM_001282224.2); short protein forms K1039N, K961N.
Identifiers: ClinVar variation 377536 (VCV000377536.8), dbSNP rs1057520234, ClinGen allele CA16608955.

ClinVar aggregate classification (germline): Conflicting classifications of pathogenicity. Review status: criteria provided, conflicting classifications (1 of 4 stars). 2 submissions from 2 submitters: Uncertain significance (1); Likely benign (1). Last evaluated 2026-10-05.

Conditions:
Cutis laxa, X-linked (OHS). Also called: EDS IX; Occipital horn syndrome. Identifiers: Orphanet 198, MedGen C0268353, MONDO:0010572, OMIM 304150.
Menkes kinky-hair syndrome (MNK). Also called: Menkes Disease; Copper transport disease; Classic Menkes Disease. Identifiers: Orphanet 565, MedGen C0022716, MONDO:0010651, OMIM 309400.
X-linked distal spinal muscular atrophy type 3. Also called: ATP7A-Related Distal Motor Neuropathy; SPINAL MUSCULAR ATROPHY, DISTAL, X-LINKED RECESSIVE; NEURONOPATHY, DISTAL HEREDITARY MOTOR, X-LINKED; NEUROPATHY, DISTAL HEREDITARY MOTOR, X-LINKED. Identifiers: Orphanet 139557, MedGen C1845359, MONDO:0010338, OMIM 300489.

Allele frequency attached by ClinVar (database versions not stated): TOPMed 0.00002; gnomAD 0.00002 and 0.00005.
gnomAD v4.1: 6 of 1,207,600 alleles (0.0005%); highest among the groups gnomAD compares: Non-Finnish European, 0.00067%; no homozygotes.

Submissions (2):

GeneDx
Classification: Uncertain significance. Last evaluated: 2026-10-05. Review status: criteria provided, single submitter. Criteria: GeneDx Variant Classification Process June 2021. Collection method: clinical testing. Allele origin: germline.
Comment: In silico analysis supports that this missense variant has a deleterious effect on protein structure/function; Has not been previously published as pathogenic or benign to our knowledge

Labcorp Genetics (formerly Invitae), Labcorp
Classification: Likely benign for X-linked distal spinal muscular atrophy type 3; Cutis laxa, X-linked; Menkes kinky-hair syndrome. Last evaluated: 2025-08-23. Review status: criteria provided, single submitter. Criteria: Invitae Variant Classification Sherloc (09022015). Collection method: clinical testing. Allele origin: germline.